The following is an entry in ClinVar:

ClinVar aggregate classification (germline): Likely benign. Review status: criteria provided, multiple submitters, no conflicts (2 of 4 stars). 2 submissions from 2 submitters: Likely benign (2). Last evaluated 2025-09-10.

Conditions:
RPGRIP1-related disorder. Also called: RPGRIP1-related condition.
Leber congenital amaurosis 6 (LCA6). Identifiers: Orphanet 65, MedGen C1854260, MONDO:0013446, OMIM 613826.
Cone-rod dystrophy 13 (CORD13). Identifiers: Orphanet 1872, MedGen C2750720, MONDO:0011987, OMIM 608194.

Allele frequency attached by ClinVar (database versions not stated): gnomAD 0.00002; gnomAD exomes 0.00002 and 0.00006; TOPMed 0.00003; ExAC 0.00004; ESP Exome Variant Server 0.00008.
gnomAD v4.1: 96 of 1,613,668 alleles (0.0059%); highest among the groups gnomAD compares: Non-Finnish European, 0.0076%; no homozygotes.

Submissions (2):

PreventionGenetics, part of Exact Sciences
Classification: Likely benign for RPGRIP1-related condition. Last evaluated: 2025-09-10. Review status: criteria provided, single submitter. Criteria: ACMG Guidelines, 2015. Collection method: clinical testing. Allele origin: germline.
Comment: This variant is classified as likely benign based on ACMG/AMP sequence variant interpretation guidelines (Richards et al. 2015 PMID: 25741868, with internal and published modifications).

Labcorp Genetics (formerly Invitae), Labcorp
Classification: Likely benign for Leber congenital amaurosis 6; Cone-rod dystrophy 13. Last evaluated: 2022-11-15. Review status: criteria provided, single submitter. Criteria: Invitae Variant Classification Sherloc (09022015). Collection method: clinical testing. Allele origin: germline.

NM_020366.4(RPGRIP1):c.678C>A (p.Ile226=)

Gene: RPGRIP1 (RPGR interacting protein 1; plus strand). Cytogenetic location: 14q11.2.
Variant type: single nucleotide variant.
Coding change: c.678C>A on transcript NM_020366.4 (MANE Select); coding-DNA position 678, C replaced by A.
Protein change: p.Ile226=; no amino-acid change (isoleucine 226 retained).
Molecular consequence: synonymous variant.
Genome position (GRCh38, 1-based): chr14:21,303,421, C>A. VCF-style: chr14-21303421-C-A. GRCh37 (hg19) VCF-style: chr14-21771580-C-A.
Other names: c.678C>A (NM_020366.3).
Identifiers: ClinVar variation 1149110 (VCV001149110.10), dbSNP rs368948798, ClinGen allele CA7088727.